The following is an entry in ClinVar:

NM_014795.4(ZEB2):c.*2377GT[7]

Gene: ZEB2 (zinc finger E-box binding homeobox 2; minus strand). Cytogenetic location: 2q22.3.
Variant type: Microsatellite.
Coding change: c.*2377GT[7] on transcript NM_014795.4 (MANE Select); seven copies in a row of the 2-base unit GT starting at c.*2377; the reference has six copies in a row; one copy, 2 bases duplicated.
Molecular consequence: 3 prime UTR variant.
Genome position (GRCh38, 1-based): chr2:144,387,063-144,387,064, AC duplicated on the plus strand (GT on the coding strand, the reverse complement: ZEB2 is on the minus strand); duplicating any 2 consecutive bases within chr2:144,387,063-144,387,075 gives the same sequence; the position shown is the placement nearest the transcript's 3' end. VCF-style (leftmost placement, unchanged base first): chr2-144387062-T-TAC. GRCh37 (hg19) VCF-style: chr2-145144629-T-TAC.
Other names: c.*2377GT[7] (NM_001171653.2).
Identifiers: ClinVar variation 331265 (VCV000331265.33), dbSNP rs886054884, ClinGen allele CA10610817.

ClinVar aggregate classification (germline): Benign (1 of 4 stars; one submission).

Submission:

CeGaT Center for Human Genetics Tuebingen
Classification: Benign. Last evaluated: 2023-03-01. Review status: criteria provided, single submitter. Criteria: CeGaT Center For Human Genetics Tuebingen Variant Classification Criteria Version 2. Collection method: clinical testing. Allele origin: germline. Affected: yes. Observed: 3 variant alleles.
Comment: ZEB2: BS1, BS2